The following is an entry in ClinVar:

NM_021813.4(BACH2):c.2267C>T (p.Ala756Val)

Gene: BACH2 (BACH transcriptional regulator 2; minus strand). Cytogenetic location: 6q15.
Variant type: single nucleotide variant.
Coding change: c.2267C>T on transcript NM_021813.4 (MANE Select); coding-DNA position 2267, C replaced by T.
Protein change: p.Ala756Val; replaces alanine 756 with valine.
Molecular consequence: missense variant.
Genome position (GRCh38, 1-based): chr6:89,932,667, G>A on the plus strand (C>T on the coding strand, the complement: BACH2 is on the minus strand). VCF-style: chr6-89932667-G-A. GRCh37 (hg19) VCF-style: chr6-90642386-G-A.
Other names: c.2267C>T (NM_021813.2); c.2267C>T, p.Ala756Val (NM_001170794.2); short protein forms A756V.
Identifiers: ClinVar variation 1357360 (VCV001357360.8), dbSNP rs761363627, ClinGen allele CA3927833.
Genomic context (GRCh38, chr6:89,932,667, plus strand): 5'-GGAGCCGCGCCTGGCTCCAAGCAGCAGGGCACGTTTTCCCCCACTGCGCATTGGGAGGCC[G>A]CAATGTTCTGCTCAGCACCCAAGGGCGCAGGGTTAATACTGGAGGCCGTGGGCAAGTCCA-3'
Protein context (NP_068585.1, residues 746-766): PAPLGAEQNI[Ala756Val]ASQCAVGENV

ClinVar aggregate classification (germline): Uncertain significance. Review status: criteria provided, multiple submitters, no conflicts (2 of 4 stars). 3 submissions from 3 submitters: Uncertain significance (3). Last evaluated 2026-01-23.

Conditions:
Immunodeficiency 60. Also called: IMMUNODEFICIENCY AND AUTOIMMUNITY, BACH2-RELATED; IMMUNODEFICIENCY 60 AND AUTOIMMUNITY. Identifiers: MedGen C5193072, MONDO:0032723, OMIM 618394.

Allele frequency attached by ClinVar (database versions not stated): gnomAD 0.00006 and 0.00007.
gnomAD v4.1: 110 of 1,614,104 alleles (0.0068%); highest among the groups gnomAD compares: South Asian, 0.022%; no homozygotes.

Submissions (3):

Clinical Genomics Laboratory, Washington University in St. Louis
Classification: Uncertain significance for Immunodeficiency 60. Last evaluated: 2026-01-23. Review status: criteria provided, single submitter. Criteria: ACMG Guidelines, 2015. Collection method: clinical testing. Allele origin: germline.
Comment: The BACH2 c.2267C>T (p.Ala756Val) variant, to our knowledge, has not been reported in the medical literature. The highest population minor allele frequency in the population database genome aggregation database (v.2.1.1) is 0.016% in the South Asian population. Computational predictors suggest that the variant does not impact BACH2 function. This variant has been reported in the ClinVar database as a germline variant of uncertain significance by two submitters. Due to limited information, and based on ACMG/AMP guidelines for variant interpretation (Richards S et al., PMID: 25741868), the clinical significance of this variant is uncertain at this time.

Labcorp Genetics (formerly Invitae), Labcorp
Classification: Uncertain significance. Last evaluated: 2025-12-27. Review status: criteria provided, single submitter. Criteria: Invitae Variant Classification Sherloc (09022015). Collection method: clinical testing. Allele origin: germline.
Comment: This sequence change replaces alanine, which is neutral and non-polar, with valine, which is neutral and non-polar, at codon 756 of the BACH2 protein (p.Ala756Val). This variant is present in population databases (rs761363627, gnomAD 0.02%). This variant has not been reported in the literature in individuals affected with BACH2-related conditions. ClinVar contains an entry for this variant (Variation ID: 1357360). Invitae Evidence Modeling of protein sequence and biophysical properties (such as structural, functional, and spatial information, amino acid conservation, physicochemical variation, residue mobility, and thermodynamic stability) indicates that this missense variant is not expected to disrupt BACH2 protein function with a negative predictive value of 80%. In summary, the available evidence is currently insufficient to determine the role of this variant in disease. Therefore, it has been classified as a Variant of Uncertain Significance.

Ambry Genetics
Classification: Uncertain significance. Last evaluated: 2022-12-16. Review status: criteria provided, single submitter. Criteria: Ambry Variant Classification Scheme 2023. Collection method: clinical testing. Allele origin: germline.